The following is an entry in ClinVar:

ClinVar aggregate classification (germline): Uncertain significance. Review status: criteria provided, multiple submitters, no conflicts (2 of 4 stars). 3 submissions from 3 submitters: Uncertain significance (3). Last evaluated 2022-02-27.

Conditions:
Hereditary cancer-predisposing syndrome. Also called: Tumor predisposition; Hereditary Cancer Syndrome; Hereditary neoplastic syndrome; Neoplastic Syndromes, Hereditary. Identifiers: Orphanet 140162, MedGen C0027672, MeSH D009386, MONDO:0015356.
Familial adenomatous polyposis 1 (FAP1). Also called: FAMILIAL ADENOMATOUS POLYPOSIS 1, ATTENUATED; POLYPOSIS, ADENOMATOUS INTESTINAL. Identifiers: MedGen C2713442, MONDO:0021056, OMIM 175100. Disease mechanism: loss of function.

Allele frequency attached by ClinVar (database versions not stated): gnomAD exomes below 0.00001; ExAC 0.00001.
gnomAD v4.1: 1 of 1,611,084 alleles (0.000062%); highest among the groups gnomAD compares: South Asian, 0.0011%; no homozygotes.

Submissions (3):

Sema4
Classification: Uncertain significance for Hereditary cancer-predisposing syndrome. Last evaluated: 2022-02-27. Review status: criteria provided, single submitter. Criteria: Sema4 Curation Guidelines. Collection method: curation. Allele origin: germline.
Comment: The APC c.1960C>G (p.Q654E) variant has not been reported in the literature to our knowledge. It was observed in 1/30556 chromosomes of the South Asian subpopulation in the large and broad cohorts of the Genome Aggregation Database (PMID: 32461654). This variant has been reported in ClinVar (Variation ID 411492). Functional studies have not been performed, and in silico predictions of the variant's effect on protein function are inconclusive. The evidence is insufficient to meet ACMG/AMP criteria for classifying the variant as benign or pathogenic. Thus, the clinical significance of this variant is currently uncertain.

Ambry Genetics
Classification: Uncertain significance for Hereditary cancer-predisposing syndrome. Last evaluated: 2019-10-07. Review status: criteria provided, single submitter. Criteria: Ambry Variant Classification Scheme 2023. Collection method: clinical testing. Allele origin: germline.
Comment: The p.Q654E variant (also known as c.1960C>G), located in coding exon 15 of the APC gene, results from a C to G substitution at nucleotide position 1960. The glutamine at codon 654 is replaced by glutamic acid, an amino acid with highly similar properties. This amino acid position is highly conserved in available vertebrate species. In addition, in silico predictors for this gene do not accurately predict pathogenicity. Since supporting evidence is limited at this time, the clinical significance of this alteration remains unclear.

Labcorp Genetics (formerly Invitae), Labcorp
Classification: Uncertain significance for Familial adenomatous polyposis 1. Last evaluated: 2016-09-21. Review status: criteria provided, single submitter. Criteria: Invitae Variant Classification Sherloc (09022015). Collection method: clinical testing. Allele origin: germline.
Comment: This sequence change replaces glutamine with glutamic acid at codon 654 of the APC protein (p.Gln654Glu). The glutamine residue is highly conserved and there is a small physicochemical difference between glutamine and glutamic acid. In summary, this variant is a rare missense change with uncertain impact on protein function. There is no indication that it causes disease, but the available evidence is currently insufficient to prove that conclusively. Therefore, it has been classified as a Variant of Uncertain Significance. Algorithms developed to predict the effect of missense changes on protein structure and function do not agree on the potential impact of this missense change (SIFT: "Tolerated"; PolyPhen-2: "Possibly Damaging"; Align-GVGD: "Class C0"). This variant is present in population databases (rs755105138, ExAC 0.006%) but has not been reported in the literature in individuals with a APC-related disease.

NM_000038.6(APC):c.1960C>G (p.Gln654Glu)

Gene: APC (APC regulator of Wnt signaling pathway; plus strand). Cytogenetic location: 5q22.2.
Variant type: single nucleotide variant.
Coding change: c.1960C>G on transcript NM_000038.6 (MANE Select); coding-DNA position 1960, C replaced by G.
Protein change: p.Gln654Glu; replaces glutamine 654 with glutamic acid.
Molecular consequence: missense variant.
Genome position (GRCh38, 1-based): chr5:112,837,554, C>G. VCF-style: chr5-112837554-C-G. GRCh37 (hg19) VCF-style: chr5-112173251-C-G.
Other names: c.1960C>G, p.Gln654Glu (NM_001127510.3, NM_001354895.2); c.1906C>G, p.Gln636Glu (NM_001127511.3); c.2014C>G, p.Gln672Glu (NM_001354896.2); c.1990C>G, p.Gln664Glu (NM_001354897.2); c.1885C>G, p.Gln629Glu (NM_001354898.2); c.1876C>G, p.Gln626Glu (NM_001354899.2); c.1837C>G, p.Gln613Glu (NM_001354900.2); c.1783C>G, p.Gln595Glu (NM_001354901.2); and 5 more; short protein forms Q636E, Q654E, Q595E, Q629E, Q664E, Q494E, Q613E, Q371E.
Identifiers: ClinVar variation 411492 (VCV000411492.14), dbSNP rs755105138, ClinGen allele CA030435.
Genomic context (GRCh38, chr5:112,837,554, plus strand): 5'-TTGTTGTTACTGCATACACATTGTGACCTTAATTTTGTGATCTCTTGATTTTATTTCAGG[C>G]AAATCCTAAGAGAGAACAACTGTCTACAAACTTTATTACAACACTTAAAATCTCATAGTT-3'
Protein context (NP_000029.2, residues 644-664): SLIATNEDHR[Gln654Glu]ILRENNCLQT